The following is an entry in ClinVar:

ClinVar aggregate classification (germline): Uncertain significance (1 of 4 stars; one submission).

gnomAD v4.1: 3 of 1,613,896 alleles (0.00019%); highest among the groups gnomAD compares: Non-Finnish European, 0.00017%; no homozygotes.

Submission:

Labcorp Genetics (formerly Invitae), Labcorp
Classification: Uncertain significance. Last evaluated: 2022-07-12. Review status: criteria provided, single submitter. Criteria: Invitae Variant Classification Sherloc (09022015). Collection method: clinical testing. Allele origin: germline.
Comment: This sequence change replaces arginine, which is basic and polar, with leucine, which is neutral and non-polar, at codon 340 of the DGKZ protein (p.Arg340Leu). This variant is not present in population databases (gnomAD no frequency). This variant has not been reported in the literature in individuals affected with DGKZ-related conditions. ClinVar contains an entry for this variant (Variation ID: 1351466). Algorithms developed to predict the effect of missense changes on protein structure and function are either unavailable or do not agree on the potential impact of this missense change (SIFT: "Tolerated"; PolyPhen-2: "Probably Damaging"; Align-GVGD: "Class C0"). In summary, the available evidence is currently insufficient to determine the role of this variant in disease. Therefore, it has been classified as a Variant of Uncertain Significance.

NM_001199267.2(DGKZ):c.452G>T (p.Arg151Leu)

Genes: DGKZ (diacylglycerol kinase zeta; plus strand), LOC126861204 (CDK7 strongly-dependent group 2 enhancer GRCh37_chr11:46390736-46391935; plus strand). Cytogenetic location: 11p11.2.
Variant type: single nucleotide variant.
Coding change: c.452G>T on transcript NM_001199267.2 (MANE Select); coding-DNA position 452, G replaced by T.
Protein change: p.Arg151Leu; replaces arginine 151 with leucine.
Molecular consequence: missense variant.
Genome position (GRCh38, 1-based): chr11:46,369,504, G>T. VCF-style: chr11-46369504-G-T. GRCh37 (hg19) VCF-style: chr11-46391054-G-T.
Other names: c.1019G>T, p.Arg340Leu (NM_001105540.2); c.455G>T, p.Arg152Leu (NM_001199266.2, NM_001199268.2, NM_003646.4); c.503G>T, p.Arg168Leu (NM_201532.3); c.467G>T, p.Arg156Leu (NM_201533.3); short protein forms R152L, R151L, R156L, R168L, R340L.
Identifiers: ClinVar variation 1351466 (VCV001351466.8), dbSNP rs748179735, ClinGen allele CA380215343.